The following is an entry in ClinVar:

NC_012920.1(MT-ND5):m.14143A>G

Gene: MT-ND5 (mitochondrially encoded NADH dehydrogenase 5; plus strand).
Variant type: single nucleotide variant.
Genome position: chrM-14143-A-G.
Identifiers: ClinVar variation 693676 (VCV000693676.1), dbSNP rs1603224556, ClinGen allele CA414821102.

ClinVar aggregate classification (germline): Uncertain significance (1 of 4 stars; one submission).

Conditions:
Leigh syndrome (NULS). Also called: Leigh's necrotizing encephalopathy; Leigh's disease; Leigh's syndrome; LEIGH SYNDROME, NUCLEAR; Leigh Syndrome (mtDNA deletion); Leigh Disease. Identifiers: Orphanet 506, MedGen C2931891, MONDO:0009723, OMIM 256000.

Submission:

Wong Mito Lab, Molecular and Human Genetics, Baylor College of Medicine
Classification: Uncertain significance for Leigh syndrome. Last evaluated: 2019-10-17. Review status: criteria provided, single submitter. Criteria: Modified ACMG Guidelines (Unpublished). Collection method: clinical testing. Allele origin: germline.
Comment: The NC_012920.1:m.14143A>G (YP_003024036.1:p.Thr603Ala) variant in MTND5 gene is interpretated to be a Uncertain Significance variant based on the modified ACMG guidelines (unpublished). This variant meets the following evidence codes: PP7, BP4